The following is an entry in ClinVar:

ClinVar aggregate classification (germline): Conflicting classifications of pathogenicity. Review status: criteria provided, conflicting classifications (1 of 4 stars). 2 submissions from 2 submitters: Uncertain significance (1); Likely benign (1). Last evaluated 2025-05-30.

Conditions:
MATN3-related disorder. Also called: MATN3-related condition.

Allele frequency attached by ClinVar (database versions not stated): ExAC 0.00009; gnomAD 0.00011; gnomAD exomes 0.00011; TOPMed 0.00014; ESP Exome Variant Server 0.00033.
gnomAD v4.1: 172 of 1,605,716 alleles (0.011%); highest among the groups gnomAD compares: Middle Eastern, 0.017%; 1 homozygote.

Submissions (2):

Labcorp Genetics (formerly Invitae), Labcorp
Classification: Likely benign. Last evaluated: 2025-05-30. Review status: criteria provided, single submitter. Criteria: Invitae Variant Classification Sherloc (09022015). Collection method: clinical testing. Allele origin: germline.

PreventionGenetics, part of Exact Sciences
Classification: Uncertain significance for MATN3-related condition. Last evaluated: 2024-10-18. Review status: criteria provided, single submitter. Criteria: ACMG Guidelines, 2015. Collection method: clinical testing. Allele origin: germline.
Comment: The MATN3 c.1172G>A variant is predicted to result in the amino acid substitution p.Arg391His. To our knowledge, this variant has not been reported in the literature. This variant is reported in 0.021% of alleles in individuals of South Asian descent in gnomAD. Although we suspect that this variant may be benign, at this time, the clinical significance of this variant is uncertain due to the absence of conclusive functional and genetic evidence.

NM_002381.5(MATN3):c.1172G>A (p.Arg391His)

Genes: MATN3 (matrilin 3; minus strand), WDR35-DT (WDR35 divergent transcript; plus strand). Cytogenetic location: 2p24.1.
Variant type: single nucleotide variant.
Coding change: c.1172G>A on transcript NM_002381.5 (MANE Select); coding-DNA position 1172, G replaced by A.
Protein change: p.Arg391His; replaces arginine 391 with histidine.
Molecular consequence: missense variant.
Genome position (GRCh38, 1-based): chr2:19,997,256, C>T on the plus strand (G>A on the coding strand, the complement: MATN3 is on the minus strand). VCF-style: chr2-19997256-C-T. GRCh37 (hg19) VCF-style: chr2-20197017-C-T.
Other names: c.1172G>A (NM_002381.4); short protein forms R391H.
Identifiers: ClinVar variation 2084694 (VCV002084694.5), dbSNP rs200780340, ClinGen allele CA1543774.